The following is an entry in ClinVar:

ClinVar aggregate classification (germline): Pathogenic. Review status: criteria provided, multiple submitters, no conflicts (2 of 4 stars). 2 submissions from 2 submitters: Pathogenic (2). Last evaluated 2026-06-10.

Conditions:
Glycogen storage disease type III (GSD3). Also called: FORBES DISEASE; Cori disease. Identifiers: Orphanet 366, MedGen C0017922, MONDO:0009291, OMIM 232400.

Submissions (2):

Myriad Genetics, Inc.
Classification: Pathogenic for Glycogen storage disease type III. Last evaluated: 2026-06-10. Review status: criteria provided, single submitter. Criteria: Myriad Autosomal Dominant, Autosomal Recessive and X-Linked Classification Criteria (2023). Collection method: clinical testing. Allele origin: unknown.
Comment: NM_000642.2(AGL):c.3625C>T(Q1209*) is expected to be pathogenic in the context of glycogen storage disease type III. This variant is predicted to lead to an abnormal or absent protein product due to the creation of a premature termination codon in AGL, a gene where loss-of-function variants are known to be pathogenic. Please note: this variant was assessed in the context of healthy population screening.

Natera, Inc.
Classification: Pathogenic for Glycogen storage disease type III. Last evaluated: 2025-08-20. Review status: criteria provided, single submitter. Criteria: Natera Variant Classification Schema (03/2026). Collection method: clinical testing. Allele origin: germline.
Comment: The c.3625C>T variant in AGL is a nonsense variant predicted to introduce a stop codon at amino acid 1209. This variant is expected to result in nonsense mediated decay, truncation, or a dysfunctional protein product. This variant is rare in the general population with a frequency below the threshold expected for the associated phenotype(s). This variant has been observed in one or more individuals affected with the associated recessive disease, as either homozygous or compound heterozygous with a second variant (PMID: 31508908). Given the available evidence, this variant is classified as Pathogenic.

Literature cited by the submitters: PubMed 31508908 (cited by Natera, Inc.).

NM_000642.3(AGL):c.3625C>T (p.Gln1209Ter)

Gene: AGL (amylo-alpha-1,6-glucosidase and 4-alpha-glucanotransferase; plus strand). Cytogenetic location: 1p21.2.
Variant type: single nucleotide variant.
Coding change: c.3625C>T on transcript NM_000642.3 (MANE Select); coding-DNA position 3625, C replaced by T.
Protein change: p.Gln1209Ter; replaces glutamine 1209 with a stop codon.
Molecular consequence: nonsense.
Genome position (GRCh38, 1-based): chr1:99,902,719, C>T. VCF-style: chr1-99902719-C-T. GRCh37 (hg19) VCF-style: chr1-100368275-C-T.
Other names: c.3625C>T, p.Gln1209Ter (NM_000028.3, NM_000643.3, NM_000644.3 and 1 more transcripts); c.3577C>T, p.Gln1193Ter (NM_000646.3); c.3604C>T, p.Gln1202Ter (NM_001425326.1); c.3424C>T, p.Gln1142Ter (NM_001425327.1); c.3421C>T, p.Gln1141Ter (NM_001425328.1); c.3286C>T, p.Gln1096Ter (NM_001425329.1); c.3247C>T, p.Gln1083Ter (NM_001425332.1); short protein forms Q1083*, Q1096*, Q1141*, Q1142*, Q1193*, Q1202*, Q1209*.
Identifiers: ClinVar variation 4814448 (VCV004814448.2).